The following is an entry in ClinVar:

NM_000038.6(APC):c.3260_3261del (p.Leu1087fs)

Gene: APC (APC regulator of Wnt signaling pathway; plus strand). Cytogenetic location: 5q22.2.
Variant type: Deletion.
Coding change: c.3260_3261del on transcript NM_000038.6 (MANE Select); coding-DNA positions 3260 to 3261, 2 bases deleted (TC; older notation c.3260_3261delTC).
Protein change: p.Leu1087fs; shifts the reading frame from leucine 1087.
Molecular consequence: frameshift variant.
Genome position (GRCh38, 1-based): chr5:112,838,854-112,838,855, TC deleted; deleting any 2 consecutive bases within chr5:112,838,853-112,838,855 gives the same sequence; the c. name uses the placement nearest the transcript's 3' end. VCF-style (leftmost placement, unchanged base first): chr5-112838852-CCT-C. GRCh37 (hg19) VCF-style: chr5-112174549-CCT-C.
Other names: c.3260_3261del, p.Leu1087fs (NM_001127510.3, NM_001354895.2); c.3206_3207del, p.Leu1069fs (NM_001127511.3); c.3314_3315del, p.Leu1105fs (NM_001354896.2); c.3290_3291del, p.Leu1097fs (NM_001354897.2); c.3185_3186del, p.Leu1062fs (NM_001354898.2); c.3176_3177del, p.Leu1059fs (NM_001354899.2); c.3137_3138del, p.Leu1046fs (NM_001354900.2); c.3083_3084del, p.Leu1028fs (NM_001354901.2); and 5 more; short protein forms L1062fs, L804fs, L1028fs, L1046fs, L1059fs, L1069fs, L1105fs, L927fs.
Identifiers: ClinVar variation 142202 (VCV000142202.14), dbSNP rs587782305, ClinGen allele CA008203.

ClinVar aggregate classification (germline): Pathogenic. Review status: criteria provided, multiple submitters, no conflicts (2 of 4 stars). 4 submissions from 4 submitters: Pathogenic (3). 1 of the submissions does not count toward it. Last evaluated 2024-06-23.

Conditions:
Hereditary cancer-predisposing syndrome. Also called: Neoplastic Syndromes, Hereditary; Tumor predisposition; Hereditary Cancer Syndrome; Hereditary neoplastic syndrome. Identifiers: Orphanet 140162, MedGen C0027672, MeSH D009386, MONDO:0015356.
Familial adenomatous polyposis 1 (FAP1). Also called: FAMILIAL ADENOMATOUS POLYPOSIS 1, ATTENUATED; POLYPOSIS, ADENOMATOUS INTESTINAL. Identifiers: MedGen C2713442, MONDO:0021056, OMIM 175100. Disease mechanism: loss of function.

Submissions (4):

Labcorp Genetics (formerly Invitae), Labcorp
Classification: Pathogenic for Familial adenomatous polyposis 1. Last evaluated: 2024-06-23. Review status: criteria provided, single submitter. Criteria: Invitae Variant Classification Sherloc (09022015). Collection method: clinical testing. Allele origin: germline.
Comment: This sequence change creates a premature translational stop signal (p.Leu1087Glnfs*31) in the APC gene. While this is not anticipated to result in nonsense mediated decay, it is expected to disrupt the last 1757 amino acid(s) of the APC protein. This variant is not present in population databases (gnomAD no frequency). This premature translational stop signal has been observed in individuals with familial adenomatous polyposis (PMID: 11748858, 20649969). ClinVar contains an entry for this variant (Variation ID: 142202). This variant is expected to disrupt the EB1 and HDLG binding sites, which mediate interactions with the cytoskeleton (PMID: 15311282, 17293347). While functional studies have not been performed to directly test the effect on APC protein function, this suggests that disruption of the C-terminal portion of the protein is functionally important. A different truncation (p.Tyr2645Lysfs*14) that lies downstream of this variant has been determined to be pathogenic (PMID: 9824584, 1316610, 27081525, 8381579, 22135120, Invitae). This suggests that deletion of this region of the APC protein is causative of disease. For these reasons, this variant has been classified as Pathogenic.

Myriad Genetics, Inc.
Classification: Pathogenic for Familial adenomatous polyposis 1. Last evaluated: 2023-05-08. Review status: criteria provided, single submitter. Criteria: Myriad Autosomal Dominant, Autosomal Recessive and X-Linked Classification Criteria (2023). Collection method: clinical testing. Allele origin: unknown.
Comment: This variant is considered pathogenic. This variant creates a frameshift predicted to result in premature protein truncation.

Ambry Genetics
Classification: Pathogenic for Hereditary cancer-predisposing syndrome. Last evaluated: 2013-02-22. Review status: criteria provided, single submitter. Criteria: Ambry Autosomal Dominant and X-Linked criteria (10/2015). Collection method: clinical testing. Allele origin: germline. Observed: 1 variant allele.
Comment: This alteration occurs at the 3' terminus of theâ€¯APC gene and is not expected to trigger nonsense-mediated mRNA decay. However, premature stop codons are typically deleterious in nature, the impacted region is critical for protein function, and a significant portion of the protein is affected (Ambry internal data). Based on the supporting evidence, this alteration is interpreted as a disease-causing mutation.

Department of Traditional Chinese Medicine, Fujian Provincial Hospital
Classification: Pathogenic for Familial adenomatous polyposis 1. Last evaluated: 2020-07-01. Review status: no assertion criteria provided. Collection method: clinical testing. Allele origin: germline, not applicable. Inheritance: Autosomal dominant inheritance. Affected: yes. Not counted in ClinVar's aggregate classification.
Comment: Defects in this gene cause familial adenomatous polyposis (FAP), an autosomal dominant pre-malignant disease that usually progresses to malignancy. Mutations in the APC gene have been found to occur in most colorectal cancers.

Literature cited by the submitters: PubMed 11748858 (cited by Labcorp Genetics (formerly Invitae), Labcorp); PubMed 20649969 (cited by Labcorp Genetics (formerly Invitae), Labcorp); PubMed 15311282 (cited by Labcorp Genetics (formerly Invitae), Labcorp); PubMed 17293347 (cited by Labcorp Genetics (formerly Invitae), Labcorp); PubMed 9824584 (cited by Labcorp Genetics (formerly Invitae), Labcorp); PubMed 1316610 (cited by Labcorp Genetics (formerly Invitae), Labcorp); PubMed 27081525 (cited by Labcorp Genetics (formerly Invitae), Labcorp); PubMed 8381579 (cited by Labcorp Genetics (formerly Invitae), Labcorp); PubMed 22135120 (cited by Labcorp Genetics (formerly Invitae), Labcorp); DOI 10.1007/s10689-011-9468-4 (cited by Department of Traditional Chinese Medicine, Fujian Provincial Hospital).